The following is an entry in ClinVar:

NM_001110556.2(FLNA):c.2281-324A>C

Gene: FLNA (filamin A; minus strand). Cytogenetic location: Xq28.
Variant type: single nucleotide variant.
Coding change: c.2281-324A>C on transcript NM_001110556.2 (MANE Select); 324 bases into the intron before coding-DNA position 2281, A replaced by C.
Molecular consequence: intron variant.
Genome position (GRCh38, 1-based): chrX:154,363,108, T>G on the plus strand (A>C on the coding strand, the complement: FLNA is on the minus strand). VCF-style: chrX-154363108-T-G. GRCh37 (hg19) VCF-style: chrX-153591476-T-G.
Other names: c.2281-324A>C (NM_001456.4).
Identifiers: ClinVar variation 680588 (VCV000680588.2), dbSNP rs5945185, ClinGen allele CA15053519.
Genomic context (GRCh38, chrX:154,363,108, plus strand): 5'-TCAATATCTGTTAGCAAGTGAACGGAAAAATGGAATGTGGTCTGGCCACACAATGGAGTA[T>G]TATGCGGCCATAAAAATAAATGAAGCGGCCGGACGTGGTGGCTCATGCCTGTAATCCCAG-3'

ClinVar aggregate classification (germline): Benign. Review status: criteria provided, multiple submitters, no conflicts (2 of 4 stars). 2 submissions from 2 submitters: Benign (2). Last evaluated 2018-06-14.

Allele frequency attached by ClinVar (database versions not stated): gnomAD 0.25312 and 0.26024; TOPMed 0.26064; 1000 Genomes Project 0.32636; 1000 Genomes Project 30x 0.33174.

Submissions (2):

GeneDx
Classification: Benign. Last evaluated: 2018-06-14. Review status: criteria provided, single submitter. Criteria: GeneDx Variant Classification (06012015). Collection method: clinical testing. Allele origin: germline. Affected: yes.
Comment: This variant is considered likely benign or benign based on one or more of the following criteria: it is a conservative change, it occurs at a poorly conserved position in the protein, it is predicted to be benign by multiple in silico algorithms, and/or has population frequency not consistent with disease.

Breakthrough Genomics
Classification: Benign. Review status: criteria provided, single submitter. Criteria: ACMG Guidelines, 2015. Collection method: not provided. Allele origin: germline. Inheritance: X-linked inheritance. Affected: yes.